The following is an entry in ClinVar:

NM_033118.4(MYLK2):c.297G>T (p.Gln99His)

Gene: MYLK2 (myosin light chain kinase 2; plus strand). Cytogenetic location: 20q11.21.
Variant type: single nucleotide variant.
Coding change: c.297G>T on transcript NM_033118.4 (MANE Select); coding-DNA position 297, G replaced by T.
Protein change: p.Gln99His; replaces glutamine 99 with histidine.
Molecular consequence: missense variant.
Genome position (GRCh38, 1-based): chr20:31,820,370, G>T. VCF-style: chr20-31820370-G-T. GRCh37 (hg19) VCF-style: chr20-30408173-G-T.
Other names: short protein forms Q99H.
Identifiers: ClinVar variation 5025234 (VCV005025234.1).

ClinVar aggregate classification (germline): Uncertain significance (1 of 4 stars; one submission).

Submission:

Ambry Genetics
Classification: Uncertain significance. Last evaluated: 2026-09-07. Review status: criteria provided, single submitter. Criteria: Ambry Variant Classification Scheme 2023. Collection method: clinical testing. Allele origin: germline.
Comment: The p.Q99H variant (also known as c.297G>T), located in coding exon 2 of the MYLK2 gene, results from a G to T substitution at nucleotide position 297. The glutamine at codon 99 is replaced by histidine, an amino acid with highly similar properties. This amino acid position is conserved. In addition, this alteration is predicted to be tolerated by in silico analysis. Based on the available evidence, the clinical significance of this variant remains unclear.